The following is an entry in ClinVar:

NM_000161.3(GCH1):c.457C>T (p.His153Tyr)

Gene: GCH1 (GTP cyclohydrolase 1; minus strand). Cytogenetic location: 14q22.2.
Variant type: single nucleotide variant.
Coding change: c.457C>T on transcript NM_000161.3 (MANE Select); coding-DNA position 457, C replaced by T.
Protein change: p.His153Tyr; replaces histidine 153 with tyrosine.
Molecular consequence: missense variant.
Genome position (GRCh38, 1-based): chr14:54,859,733, G>A on the plus strand (C>T on the coding strand, the complement: GCH1 is on the minus strand). VCF-style: chr14-54859733-G-A. GRCh37 (hg19) VCF-style: chr14-55326451-G-A.
Other names: c.457C>T, p.His153Tyr (NM_001024024.2, NM_001024070.2, NM_001024071.2 and 1 more transcripts); c.163C>T, p.His55Tyr (NM_001424105.1); short protein forms H153Y, H55Y.
Identifiers: ClinVar variation 4849109 (VCV004849109.1).

ClinVar aggregate classification (germline): Uncertain significance (1 of 4 stars; one submission).

gnomAD v4.1: 7 of 1,579,758 alleles (0.00044%); highest among the groups gnomAD compares: Non-Finnish European, 0.00052%; no homozygotes.

Submission:

Women's Health and Genetics/Laboratory Corporation of America, LabCorp
Classification: Uncertain significance. Last evaluated: 2026-04-24. Review status: criteria provided, single submitter. Criteria: LabCorp Variant Classification Summary - May 2015. Collection method: clinical testing. Allele origin: germline.
Comment: Variant summary: GCH1 c.457C>T (p.His153Tyr) results in a conservative amino acid change in the encoded protein sequence. Algorithms developed to predict the effect of missense changes on protein structure and function are either unavailable or do not agree on the potential impact of this missense change. The variant was absent in 251076 control chromosomes. c.457C>T has been observed in a homozygous individual affected with GTP Cyclohydrolase I Deficiency (Ray_2022). These data indicate that the variant may be associated with disease. To our knowledge, no experimental evidence demonstrating an impact on protein function has been reported. The following publications have been ascertained in the context of this evaluation (PMID: 36204308, 39001623, 34997870). No submitters have cited clinical-significance assessments for this variant to ClinVar. Based on the evidence outlined above, the variant was classified as VUS-possibly pathogenic.

Literature cited by the submitters: PubMed 39001623; PubMed 34997870; PubMed 36204308.